The following is an entry in ClinVar:

ClinVar aggregate classification (germline): Uncertain significance. Review status: criteria provided, multiple submitters, no conflicts (2 of 4 stars). 2 submissions from 2 submitters: Uncertain significance (2). Last evaluated 2024-11-13.

Conditions:
MHC class II deficiency. Also called: Bare lymphocyte syndrome 2; BLS, TYPE II. Identifiers: Orphanet 572, MedGen C5447452, MONDO:0008855.

Allele frequency attached by ClinVar (database versions not stated): gnomAD 0.00001; TOPMed 0.00001; ExAC 0.00002; gnomAD exomes 0.00002 and 0.00004.
gnomAD v4.1: 27 of 1,613,986 alleles (0.0017%); highest among the groups gnomAD compares: Admixed American, 0.0033%; no homozygotes.

Submissions (2):

Ambry Genetics
Classification: Uncertain significance. Last evaluated: 2024-11-13. Review status: criteria provided, single submitter. Criteria: Ambry Variant Classification Scheme 2023. Collection method: clinical testing. Allele origin: germline.

Labcorp Genetics (formerly Invitae), Labcorp
Classification: Uncertain significance for MHC class II deficiency. Last evaluated: 2021-12-12. Review status: criteria provided, single submitter. Criteria: Invitae Variant Classification Sherloc (09022015). Collection method: clinical testing. Allele origin: germline.
Comment: This sequence change replaces arginine, which is basic and polar, with histidine, which is basic and polar, at codon 468 of the RFX5 protein (p.Arg468His). This variant is present in population databases (rs778751859, gnomAD 0.006%). This variant has not been reported in the literature in individuals affected with RFX5-related conditions. Algorithms developed to predict the effect of missense changes on protein structure and function are either unavailable or do not agree on the potential impact of this missense change (SIFT: "Deleterious"; PolyPhen-2: "Probably Damaging"; Align-GVGD: "Class C0"). In summary, the available evidence is currently insufficient to determine the role of this variant in disease. Therefore, it has been classified as a Variant of Uncertain Significance.

NM_001025603.2(RFX5):c.1403G>A (p.Arg468His)

Gene: RFX5 (regulatory factor X5; minus strand). Cytogenetic location: 1q21.3.
Variant type: single nucleotide variant.
Coding change: c.1403G>A on transcript NM_001025603.2 (MANE Select); coding-DNA position 1403, G replaced by A.
Protein change: p.Arg468His; replaces arginine 468 with histidine.
Molecular consequence: missense variant.
Genome position (GRCh38, 1-based): chr1:151,342,634, C>T on the plus strand (G>A on the coding strand, the complement: RFX5 is on the minus strand). VCF-style: chr1-151342634-C-T. GRCh37 (hg19) VCF-style: chr1-151315110-C-T.
Other names: c.1403G>A (NM_000449.3); c.1403G>A, p.Arg468His (NM_000449.4, NM_001379412.1, NM_001379413.1 and 5 more transcripts); c.1283G>A, p.Arg428His (NM_001379419.1, NM_001379420.1); short protein forms R428H, R468H.
Identifiers: ClinVar variation 1366130 (VCV001366130.4), dbSNP rs778751859, ClinGen allele CA1089605.